The following is an entry in ClinVar:

ClinVar aggregate classification (germline): Likely pathogenic (1 of 4 stars; one submission).

Conditions:
Joubert syndrome. Also called: CEREBELLOPARENCHYMAL DISORDER IV; JOUBERT-BOLTSHAUSER SYNDROME; Familial aplasia of the vermis. Identifiers: Orphanet 475, MedGen C5979921, MONDO:0018772.
Orofaciodigital syndrome I (OFD1). Also called: OFDS I; Papillon-Leage and Psaume Syndrome; Oral-Facial-Digital Syndrome Type I. Identifiers: Orphanet 2750, MedGen C1510460, MONDO:0010702, OMIM 311200.

Submission:

Labcorp Genetics (formerly Invitae), Labcorp
Classification: Likely pathogenic for Orofaciodigital syndrome I; Joubert syndrome. Last evaluated: 2022-02-20. Review status: criteria provided, single submitter. Criteria: Invitae Variant Classification Sherloc (09022015). Collection method: clinical testing. Allele origin: germline.
Comment: Experimental studies and prediction algorithms are not available or were not evaluated, and the functional significance of this variant is currently unknown. ClinVar contains an entry for this variant (Variation ID: 41067). This variant is also known as c.1220_1221+1del. This variant has been observed in individual(s) with oral-facial-digital syndrome type 1 (OFD1) (PMID: 18546297; Invitae). This variant is not present in population databases (gnomAD no frequency). This variant, c.1219_1221del, results in the deletion of 1 amino acid(s) of the OFD1 protein (p.Glu407del), but otherwise preserves the integrity of the reading frame. This variant also falls at the last nucleotide of exon 12, which is part of the consensus splice site for this exon. Variants that disrupt the consensus splice site are a relatively common cause of aberrant splicing (PMID: 17576681, 9536098). Algorithms developed to predict the effect of sequence changes on RNA splicing suggest that this variant may disrupt the consensus splice site. In summary, the currently available evidence indicates that the variant is pathogenic, but additional data are needed to prove that conclusively. Therefore, this variant has been classified as Likely Pathogenic.

Literature cited by the submitters: PubMed 18546297; PubMed 17576681; PubMed 9536098.

NM_003611.3(OFD1):c.1220_1221+1del

Gene: OFD1 (OFD1 centriole and centriolar satellite protein; plus strand). Cytogenetic location: Xp22.2.
Variant type: Deletion.
Coding change: c.1220_1221+1del on transcript NM_003611.3 (MANE Select); coding-DNA position 1220 through the canonical splice donor site of the intron after coding-DNA position 1221, 3 bases deleted (AGG; older notation c.1220_1221+1delAGG).
Molecular consequence: splice donor variant.
Genome position (GRCh38, 1-based): chrX:13,755,241-13,755,243, AGG deleted; deleting any 3 consecutive bases within chrX:13,755,240-13,755,243 gives the same sequence; the c. name uses the placement nearest the transcript's 3' end. VCF-style (leftmost placement, unchanged base first): chrX-13755239-TGAG-T. GRCh37 (hg19) VCF-style: chrX-13773358-TGAG-T.
Other names: c.800_801+1del (NM_001330210.2); c.1100_1101+1del (NM_001330209.2).
Identifiers: ClinVar variation 2138475 (VCV002138475.4), dbSNP rs312262869, ClinGen allele CA343960.